The following is an entry in ClinVar:

ClinVar aggregate classification (germline): Uncertain significance (1 of 4 stars; one submission).

Conditions:
Inborn genetic diseases. Identifiers: MedGen C0950123, MeSH D030342.

Submission:

Ambry Genetics
Classification: Uncertain significance for Inborn genetic diseases. Last evaluated: 2025-11-26. Review status: criteria provided, single submitter. Criteria: Ambry Variant Classification Scheme 2023. Collection method: clinical testing. Allele origin: germline.
Comment: The p.A136V variant (also known as c.407C>T), located in coding exon 1 of the CEBPA gene, results from a C to T substitution at nucleotide position 407. The alanine at codon 136 is replaced by valine, an amino acid with similar properties. This amino acid position is conserved. In addition, this alteration is predicted to be tolerated by in silico analysis. Based on the available evidence, the clinical significance of this variant remains unclear.

NM_004364.5(CEBPA):c.407C>T (p.Ala136Val)

Gene: CEBPA (CCAAT enhancer binding protein alpha; minus strand). Cytogenetic location: 19q13.11.
Variant type: single nucleotide variant.
Coding change: c.407C>T on transcript NM_004364.5 (MANE Select); coding-DNA position 407, C replaced by T.
Protein change: p.Ala136Val; replaces alanine 136 with valine.
Molecular consequence: missense variant.
Genome position (GRCh38, 1-based): chr19:33,302,008, G>A on the plus strand (C>T on the coding strand, the complement: CEBPA is on the minus strand). VCF-style: chr19-33302008-G-A. GRCh37 (hg19) VCF-style: chr19-33792914-G-A.
Other names: c.50C>T, p.Ala17Val (NM_001285829.2); c.512C>T, p.Ala171Val (NM_001287424.2); c.365C>T, p.Ala122Val (NM_001287435.2); short protein forms A136V, A171V, A17V, A122V.
Identifiers: ClinVar variation 4611494 (VCV004611494.1).
Genomic context (GRCh38, chr19:33,302,008, plus strand): 5'-CGCAGCGCCGGCGCCCCGACGCGCTCGTACAGGGGCTCCAGCCTGCCGTCCAGGTAGCCG[G>A]CGGCCGCGCAGCCGTAGCCGGGCGGGGGCCCGTGCGCTCCCCCGGGCATGACGGCGCCGC-3'
Protein context (NP_004355.2, residues 126-146): GPPPGYGCAA[Ala136Val]GYLDGRLEPL